The following is an entry in ClinVar:

NM_000057.4(BLM):c.3548G>C (p.Gly1183Ala)

Gene: BLM (BLM RecQ like helicase; plus strand). Cytogenetic location: 15q26.1.
Variant type: single nucleotide variant.
Coding change: c.3548G>C on transcript NM_000057.4 (MANE Select); coding-DNA position 3548, G replaced by C.
Protein change: p.Gly1183Ala; replaces glycine 1183 with alanine.
Molecular consequence: missense variant. On other transcripts: intron variant (1).
Genome position (GRCh38, 1-based): chr15:90,803,710, G>C. VCF-style: chr15-90803710-G-C. GRCh37 (hg19) VCF-style: chr15-91346940-G-C.
Other names: c.3548G>C, p.Gly1183Ala (NM_001287246.2); c.2423G>C, p.Gly808Ala (NM_001287248.2); c.3358+5373G>C (NM_001287247.2); short protein forms G1183A, G808A.
Identifiers: ClinVar variation 2005105 (VCV002005105.4), dbSNP rs995080738, ClinGen allele CA393847839.

ClinVar aggregate classification (germline): Uncertain significance (1 of 4 stars; one submission).

Conditions:
Bloom syndrome (BLM). Also called: Bloom-Torre-Machacek syndrome. Identifiers: Orphanet 125, MedGen C0005859, MONDO:0008876, OMIM 210900.

Submission:

Labcorp Genetics (formerly Invitae), Labcorp
Classification: Uncertain significance for Bloom syndrome. Last evaluated: 2025-01-19. Review status: criteria provided, single submitter. Criteria: Invitae Variant Classification Sherloc (09022015). Collection method: clinical testing. Allele origin: germline.
Comment: This sequence change replaces glycine, which is neutral and non-polar, with alanine, which is neutral and non-polar, at codon 1183 of the BLM protein (p.Gly1183Ala). This variant is not present in population databases (gnomAD no frequency). This variant has not been reported in the literature in individuals affected with BLM-related conditions. ClinVar contains an entry for this variant (Variation ID: 2005105). Invitae Evidence Modeling of protein sequence and biophysical properties (such as structural, functional, and spatial information, amino acid conservation, physicochemical variation, residue mobility, and thermodynamic stability) indicates that this missense variant is expected to disrupt BLM protein function with a positive predictive value of 80%. In summary, the available evidence is currently insufficient to determine the role of this variant in disease. Therefore, it has been classified as a Variant of Uncertain Significance.